The following is an entry in ClinVar:

NM_152309.3(PIK3AP1):c.31G>A (p.Asp11Asn)

Gene: PIK3AP1 (phosphoinositide-3-kinase adaptor protein 1; minus strand). Cytogenetic location: 10q24.1.
Variant type: single nucleotide variant.
Coding change: c.31G>A on transcript NM_152309.3 (MANE Select); coding-DNA position 31, G replaced by A.
Protein change: p.Asp11Asn; replaces aspartic acid 11 with asparagine.
Molecular consequence: missense variant.
Genome position (GRCh38, 1-based): chr10:96,709,966, C>T on the plus strand (G>A on the coding strand, the complement: PIK3AP1 is on the minus strand). VCF-style: chr10-96709966-C-T. GRCh37 (hg19) VCF-style: chr10-98469723-C-T.
Other names: short protein forms D11N.
Identifiers: ClinVar variation 579927 (VCV000579927.13), dbSNP rs138344015, ClinGen allele CA5626624.
Genomic context (GRCh38, chr10:96,709,966, plus strand): 5'-ACAGGGTCTGCAGGTACTGGCACCATTCCTCGGCATCCGGGCTGTAGACGATGAGGATGT[C>T]GCATCCTCTGGGCACCCCTGGACAAGAATGAGGCACAGAAGCATGTTAGCACACCTCCCC-3'
Protein context (NP_689522.2, residues 1-21): MAASGVPRGC[Asp11Asn]ILIVYSPDAE

ClinVar aggregate classification (germline): Uncertain significance. Review status: criteria provided, multiple submitters, no conflicts (2 of 4 stars). 3 submissions from 3 submitters: Uncertain significance (3). Last evaluated 2025-08-01.

Conditions:
Infantile spasms. Also called: Infantile spasm. Identifiers: MedGen C3887898, HP:0012469.

Allele frequency attached by ClinVar (database versions not stated): gnomAD exomes 0.00005 and 0.00015; ExAC 0.00007; TOPMed 0.00002; gnomAD 0.00004; 1000 Genomes Project 30x 0.00016; 1000 Genomes Project 0.00020.
gnomAD v4.1: 228 of 1,590,814 alleles (0.014%); highest among the groups gnomAD compares: East Asian, 0.39%; 1 homozygote.

Submissions (3):

Labcorp Genetics (formerly Invitae), Labcorp
Classification: Uncertain significance for Infantile spasms. Last evaluated: 2025-08-01. Review status: criteria provided, single submitter. Criteria: Invitae Variant Classification Sherloc (09022015). Collection method: clinical testing. Allele origin: germline.
Comment: This sequence change replaces aspartic acid, which is acidic and polar, with asparagine, which is neutral and polar, at codon 11 of the PIK3AP1 protein (p.Asp11Asn). This variant is present in population databases (rs138344015, gnomAD 0.04%), and has an allele count higher than expected for a pathogenic variant. This variant has not been reported in the literature in individuals affected with PIK3AP1-related conditions. ClinVar contains an entry for this variant (Variation ID: 579927). An algorithm developed to predict the effect of missense changes on protein structure and function (PolyPhen-2) suggests that this variant is likely to be disruptive. In summary, the available evidence is currently insufficient to determine the role of this variant in disease. Therefore, it has been classified as a Variant of Uncertain Significance.

Ambry Genetics
Classification: Uncertain significance. Last evaluated: 2025-03-17. Review status: criteria provided, single submitter. Criteria: Ambry Variant Classification Scheme 2023. Collection method: clinical testing. Allele origin: germline.

Breakthrough Genomics
Classification: Uncertain significance. Review status: criteria provided, single submitter. Criteria: ACMG Guidelines, 2015. Collection method: not provided. Allele origin: germline. Inheritance: Unknown mechanism. Affected: yes.